The following is an entry in ClinVar:

ClinVar aggregate classification (germline): Likely benign. Review status: criteria provided, multiple submitters, no conflicts (2 of 4 stars). 2 submissions from 2 submitters: Likely benign (2). Last evaluated 2025-10-31.

Conditions:
Hereditary spastic paraplegia 75. Also called: Spastic paraplegia 75, autosomal recessive. Identifiers: Orphanet 459056, MedGen C4225250, MONDO:0014729, OMIM 616680.

Allele frequency attached by ClinVar (database versions not stated): 1000 Genomes Project 0.00020; gnomAD 0.00023 and 0.00025; TOPMed 0.00027; 1000 Genomes Project 30x 0.00031; gnomAD exomes 0.00031; ExAC 0.00035; ESP Exome Variant Server 0.00054.
gnomAD v4.1: 493 of 1,614,046 alleles (0.031%); highest among the groups gnomAD compares: Non-Finnish European, 0.04%; no homozygotes.

Submissions (2):

Labcorp Genetics (formerly Invitae), Labcorp
Classification: Likely benign for Hereditary spastic paraplegia 75. Last evaluated: 2025-10-31. Review status: criteria provided, single submitter. Criteria: Invitae Variant Classification Sherloc (09022015). Collection method: clinical testing. Allele origin: germline.

CeGaT Center for Human Genetics Tuebingen
Classification: Likely benign. Last evaluated: 2025-04-01. Review status: criteria provided, single submitter. Criteria: CeGaT Center For Human Genetics Tuebingen Variant Classification Criteria Version 2. Collection method: clinical testing. Allele origin: germline. Affected: yes. Observed: 6 variant alleles.
Comment: MAG: BP4, BP7

NM_002361.4(MAG):c.1344G>A (p.Ser448=)

Gene: MAG (myelin associated glycoprotein; plus strand). Cytogenetic location: 19q13.12.
Variant type: single nucleotide variant.
Coding change: c.1344G>A on transcript NM_002361.4 (MANE Select); coding-DNA position 1344, G replaced by A.
Protein change: p.Ser448=; no amino-acid change (serine 448 retained).
Molecular consequence: synonymous variant.
Genome position (GRCh38, 1-based): chr19:35,309,986, G>A. VCF-style: chr19-35309986-G-A. GRCh37 (hg19) VCF-style: chr19-35800889-G-A.
Other names: c.1269G>A, p.Ser423= (NM_001199216.2); c.1344G>A, p.Ser448= (NM_080600.3).
Identifiers: ClinVar variation 542303 (VCV000542303.35), dbSNP rs149838575, ClinGen allele CA9376245.